The following is an entry in ClinVar:

ClinVar aggregate classification (germline): Benign (0 of 4 stars; one submission).

Conditions:
ADCY6-related disorder. Also called: ADCY6-related condition.

Allele frequency attached by ClinVar (database versions not stated): 1000 Genomes Project 0.00799; 1000 Genomes Project 30x 0.00843; gnomAD 0.01720; TOPMed 0.01794; ESP Exome Variant Server 0.02207; ExAC 0.02213; gnomAD exomes 0.02543.
gnomAD v4.1: 38,197 of 1,558,114 alleles (2.5%); highest among the groups gnomAD compares: Middle Eastern, 3.2%; 546 homozygotes.

Submission:

PreventionGenetics, part of Exact Sciences
Classification: Benign for ADCY6-related condition. Last evaluated: 2019-07-11. Review status: no assertion criteria provided. Collection method: clinical testing. Allele origin: germline.
Comment: This variant is classified as benign based on ACMG/AMP sequence variant interpretation guidelines (Richards et al. 2015 PMID: 25741868, with internal and published modifications).

NM_015270.5(ADCY6):c.2020G>T (p.Ala674Ser)

Gene: ADCY6 (adenylate cyclase 6; minus strand). Cytogenetic location: 12q13.12.
Variant type: single nucleotide variant.
Coding change: c.2020G>T on transcript NM_015270.5 (MANE Select); coding-DNA position 2020, G replaced by T.
Protein change: p.Ala674Ser; replaces alanine 674 with serine.
Molecular consequence: missense variant. On other transcripts: non-coding transcript variant (1).
Genome position (GRCh38, 1-based): chr12:48,775,015, C>A on the plus strand (G>T on the coding strand, the complement: ADCY6 is on the minus strand). VCF-style: chr12-48775015-C-A. GRCh37 (hg19) VCF-style: chr12-49168798-C-A.
Other names: c.2020G>T, p.Ala674Ser (NM_001390830.1, NM_001390831.2, NM_001412819.1 and 3 more transcripts); short protein forms A674S.
Identifiers: ClinVar variation 3055951 (VCV003055951.2), dbSNP rs3730071, ClinGen allele CA6541107.